The following is an entry in ClinVar:

NM_000140.5(FECH):c.599-2A>C

Gene: FECH (ferrochelatase; minus strand). Cytogenetic location: 18q21.31.
Variant type: single nucleotide variant.
Coding change: c.599-2A>C on transcript NM_000140.5 (MANE Select); the canonical splice acceptor site of the intron before coding-DNA position 599, A replaced by C.
Molecular consequence: splice acceptor variant.
Genome position (GRCh38, 1-based): chr18:57,562,982, T>G on the plus strand (A>C on the coding strand, the complement: FECH is on the minus strand). VCF-style: chr18-57562982-T-G. GRCh37 (hg19) VCF-style: chr18-55230214-T-G.
Other names: c.599-2A>C (NM_001371094.1, NM_001374778.1); c.617-2A>C (NM_001012515.4); c.383-2A>C (NM_001371095.1).
Identifiers: ClinVar variation 2702299 (VCV002702299.3), dbSNP rs980047540, ClinGen allele CA402536068.
Genomic context (GRCh38, chr18:57,562,982, plus strand): 5'-CATCGTGGGCTTCCGTCCCACTTGATTATAGTATCTGTAAATGGCATTTAAGCTGCTGCC[T>G]GAAATATACAGAGACCACTTAGTAGATGCATTTTGATTATGGTGAAAATAAAAAACAGAC-3'

ClinVar aggregate classification (germline): Pathogenic (1 of 4 stars; one submission).

Submission:

Labcorp Genetics (formerly Invitae), Labcorp
Classification: Pathogenic. Last evaluated: 2023-12-12. Review status: criteria provided, single submitter. Criteria: Invitae Variant Classification Sherloc (09022015). Collection method: clinical testing. Allele origin: germline.
Comment: This sequence change affects an acceptor splice site in intron 5 of the FECH gene. It is expected to disrupt RNA splicing. Variants that disrupt the donor or acceptor splice site typically lead to a loss of protein function (PMID: 16199547), and loss-of-function variants in FECH are known to be pathogenic (PMID: 20105171, 23016163, 23364466). This variant is not present in population databases (gnomAD no frequency). Disruption of this splice site has been observed in individual(s) with erythropoietic porphyria (PMID: 20105171; Invitae). In at least one individual the data is consistent with being in trans (on the opposite chromosome) from a pathogenic variant. Algorithms developed to predict the effect of sequence changes on RNA splicing suggest that this variant may disrupt the consensus splice site. For these reasons, this variant has been classified as Pathogenic.

Literature cited by the submitters: PubMed 16199547; PubMed 20105171; PubMed 23016163; PubMed 23364466.